The following is an entry in ClinVar:

NM_003784.4(SERPINB7):c.796C>T (p.Arg266Ter)

Gene: SERPINB7 (serpin family B member 7; plus strand). Cytogenetic location: 18q21.33.
Variant type: single nucleotide variant.
Coding change: c.796C>T on transcript NM_003784.4 (MANE Select); coding-DNA position 796, C replaced by T.
Protein change: p.Arg266Ter; replaces arginine 266 with a stop codon.
Molecular consequence: nonsense.
Genome position (GRCh38, 1-based): chr18:63,804,288, C>T. VCF-style: chr18-63804288-C-T. GRCh37 (hg19) VCF-style: chr18-61471522-C-T.
Other names: SERPINB7, ARG266TER (rs142859678); c.796C>T, p.Arg266Ter (NM_001040147.3, NM_001261830.2); c.745C>T, p.Arg249Ter (NM_001261831.2); short protein forms R266*, R249*.
Identifiers: ClinVar variation 102446 (VCV000102446.69), dbSNP rs142859678, ClinGen allele CA150757.

ClinVar aggregate classification (germline): Pathogenic. Review status: criteria provided, multiple submitters, no conflicts (2 of 4 stars). 15 submissions from 15 submitters: Pathogenic (13). 2 of the submissions do not count toward it. Last evaluated 2026-04-21.

Conditions:
Palmoplantar keratodermas.
SERPINB7-related disorder. Also called: SERPINB7-related condition.
Palmoplantar keratoderma, Nagashima type. Identifiers: Orphanet 140966, MedGen C3810072, MONDO:0014272, OMIM 615598.

Allele frequency attached by ClinVar (database versions not stated): gnomAD 0.00019 and 0.00033; TOPMed 0.00043; ExAC 0.00054; gnomAD exomes 0.00055; 1000 Genomes Project 30x 0.00203; 1000 Genomes Project 0.00240.
gnomAD v4.1: 402 of 1,605,018 alleles (0.025%); highest among the groups gnomAD compares: East Asian, 0.77%; no homozygotes.

Submissions (15):

PreventionGenetics, part of Exact Sciences
Classification: Pathogenic for SERPINB7-related condition. Last evaluated: 2026-04-21. Review status: criteria provided, single submitter. Criteria: ACMG Guidelines, 2015. Collection method: clinical testing. Allele origin: germline.
Comment: The SERPINB7 c.796C>T variant is predicted to result in premature protein termination (p.Arg266*). This variant has been reported to be causative for autosomal recessive Nagashima-type palmoplantar keratosis and has been described as a founder mutation in Asian populations (Kubo et al. 2013. PubMed ID: 24207119; Yin et al. 2014. PubMed ID: 24514002; Zhang et al. 2016. PubMed ID: 27666198; Zhang et al. 2024. PubMed ID: 38695247). This variant is reported in 0.69% of alleles in individuals of East Asian descent in gnomAD. Nonsense variants in SERPINB7 are expected to be pathogenic. This variant is interpreted as pathogenic.

Genetics Laboratory, Great Ormond Street Hospital NHS Foundation Trust, North Thames Genomic Laboratory Hub
Classification: Pathogenic for Palmoplantar keratodermas. Last evaluated: 2025-09-12. Review status: criteria provided, single submitter. Criteria: ACGS Best Practice Guidelines for Variant Classification in Rare Disease 2024 v1.2. Collection method: clinical testing. Allele origin: germline. Affected: yes.
Comment: PVS1_strong, PM3_very-strong

Labcorp Genetics (formerly Invitae), Labcorp
Classification: Pathogenic. Last evaluated: 2025-08-03. Review status: criteria provided, single submitter. Criteria: Invitae Variant Classification Sherloc (09022015). Collection method: clinical testing. Allele origin: germline.
Comment: This sequence change creates a premature translational stop signal (p.Arg266*) in the SERPINB7 gene. While this is not anticipated to result in nonsense mediated decay, it is expected to disrupt the last 115 amino acid(s) of the SERPINB7 protein. This variant is present in population databases (rs142859678, gnomAD 0.7%), and has an allele count higher than expected for a pathogenic variant. This premature translational stop signal has been observed in individual(s) with Nagashima-type palmoplantar keratoderma (NPPK) (PMID: 24207119, 24514002, 27543371, 27666198). In at least one individual the data is consistent with being in trans (on the opposite chromosome) from a pathogenic variant. It is commonly reported in individuals of Japanese and Han Chinese ancestry (PMID: 24514002, 24773080). ClinVar contains an entry for this variant (Variation ID: 102446). Algorithms developed to predict the effect of sequence changes on RNA splicing suggest that this variant may create or strengthen a splice site. For these reasons, this variant has been classified as Pathogenic.

Blueprint Genetics
Classification: Pathogenic for SERPINB7-related disorders. Last evaluated: 2024-07-19. Review status: criteria provided, single submitter. Criteria: ACMG Guidelines, 2015. Collection method: clinical testing. Allele origin: germline. Affected: yes. Observed: 5 variant alleles.

Molecular Genetics, Royal Melbourne Hospital
Classification: Pathogenic for Palmoplantar keratoderma, Nagashima type. Last evaluated: 2024-03-01. Review status: criteria provided, single submitter. Criteria: ACMG Guidelines, 2015. Collection method: clinical testing. Allele origin: germline. Inheritance: Autosomal recessive inheritance. Affected: yes.
Comment: This sequence change in SERPINB7 is a nonsense variant predicted to cause a premature stop codon, p.(Arg266*), that is predicted to escape nonsense-mediated decay and remove <10% of the protein (removes amino acids 226-380) in a gene where loss of function is an established disease mechanism. The highest population minor allele frequency in the population database gnomAD v4.0 is 0.8% (347/44,860 alleles) in the East Asian population, which is higher than expected for a recessive disease. However, this variant is an East Asian founder mutation for Nagashima-type palmoplantar keratoderma. It has been reported in multiple affected individuals in the homozygous and compound heterozygous state (with at least one individual with a pathogenic variant on the second allele) and segregates with disease in at least one family (PMID: 24207119, 35178744). Based on the classification scheme RMH Modified ACMG/AMP Guidelines v1.6.1, this variant is classified as PATHOGENIC. Following criteria are met: PM3_VeryStrong, PVS1_Strong, PP1, BS1.

3billion
Classification: Pathogenic for Palmoplantar keratoderma, Nagashima type. Last evaluated: 2023-12-27. Review status: criteria provided, single submitter. Criteria: ACMG Guidelines, 2015. Collection method: clinical testing. Allele origin: germline. Affected: yes.
Comment: The variant is observed at an extremely low frequency in the gnomAD v2.1.1 dataset (total allele frequency: 0.053%). Predicted Consequence/Location: Stop-gained (nonsense): predicted to result in a loss or disruption of normal protein function through protein truncation. The predicted truncated protein may be shortened by more than 10%. The variant has been reported at least twice as pathogenic with clinical assertions and evidence for the classification (ClinVar ID: VCV000102446 /PMID: 24207119 /3billion dataset). Therefore, this variant is classified as Pathogenic according to the recommendation of ACMG/AMP guideline.

Department of Pathology and Laboratory Medicine, Sinai Health System
Classification: Pathogenic for Palmoplantar keratoderma, Nagashima type. Last evaluated: 2023-03-24. Review status: criteria provided, single submitter. Criteria: ACMG Guidelines, 2015. Collection method: research. Allele origin: germline.

GeneDx
Classification: Pathogenic. Last evaluated: 2022-08-11. Review status: criteria provided, single submitter. Criteria: GeneDx Variant Classification Process June 2021. Collection method: clinical testing. Allele origin: germline. Affected: yes.
Comment: Nonsense variant in the C-terminus predicted to result in protein truncation, as the last 115 amino acids are lost, and other loss-of-function variants have been reported in the Human Gene Mutation Database (HGMD); This variant is associated with the following publications: (PMID: 24514002, 27786350, 27663160, 27569382, 27543371, 27506501, 28211129, 29888704, 30256384, 30581033, 30833958, 30004585, 32406097, 31980526, 24077912, 34426522, 33362511, 32892407, 33914963, 34379845, 27666198, 24207119, 24773080)

Genetics and Molecular Pathology, SA Pathology
Classification: Pathogenic for Palmoplantar keratoderma, Nagashima type. Last evaluated: 2021-12-08. Review status: criteria provided, single submitter. Criteria: ACMG Guidelines, 2015. Collection method: clinical testing. Allele origin: germline. Inheritance: Autosomal recessive inheritance. Affected: yes.

Revvity Omics, Revvity
Classification: Pathogenic for Palmoplantar keratoderma, Nagashima type. Last evaluated: 2021-03-14. Review status: criteria provided, single submitter. Criteria: ACMG Guidelines, 2015. Collection method: clinical testing. Allele origin: germline.

Fulgent Genetics
Classification: Pathogenic for Palmoplantar keratoderma, Nagashima type. Last evaluated: 2018-10-31. Review status: criteria provided, single submitter. Criteria: ACMG Guidelines, 2015. Collection method: clinical testing. Allele origin: unknown.

CeGaT Center for Human Genetics Tuebingen
Classification: Pathogenic. Last evaluated: 2018-05-01. Review status: criteria provided, single submitter. Criteria: CeGaT Center For Human Genetics Tuebingen Variant Classification Criteria Version 2. Collection method: clinical testing. Allele origin: germline. Affected: yes. Observed: 1 variant allele.

Juno Genomics, Hangzhou Juno Genomics, Inc
Classification: Pathogenic for Palmoplantar keratoderma, Nagashima type. Review status: criteria provided, single submitter. Criteria: ACMG Guidelines, 2015. Collection method: clinical testing. Allele origin: germline.
Comment: For recessive disorders, detected in trans with a pathogenic variant.;Null variant in a gene where loss of function (LOF) is a known mechanism of disease.

Reproductive Health Research and Development, BGI Genomics
Classification: Pathogenic for Palmoplantar keratoderma, nagashima type. Last evaluated: 2020-01-06. Review status: no assertion criteria provided. Collection method: curation. Allele origin: germline. Not counted in ClinVar's aggregate classification.
Comment: NM_003784.3:c.796C>T in the SERPINB7 gene has an allele frequency of 0.007 Asia in East Asian subpopulation in the gnomAD database. This variant is predicted to cause loss of normal protein function either through protein truncation or nonsense-mediated mRNA decay. It was detected in individual with autosomal recessive Palmoplantar keratoderma, nagashima type, compound heterozygous with c.218_219del2ins12, c.455-1G>A, respectively (PMID: 24207119). Taken together, we interprete this variant as Pathogenic/Likely pathogenic. ACMG/AMP criteria applied: PVS1; PM3_Strong; PP4.

OMIM
Classification: Pathogenic for PALMOPLANTAR KERATODERMA, NAGASHIMA TYPE. Last evaluated: 2014-10-01. Review status: no assertion criteria provided. Collection method: literature only. Allele origin: germline. Not counted in ClinVar's aggregate classification.

Literature cited by the submitters: PubMed 24207119 (cited by 4 submitters); PubMed 24514002 (cited by Labcorp Genetics (formerly Invitae), Labcorp and OMIM); PubMed 27543371 (cited by Labcorp Genetics (formerly Invitae), Labcorp); PubMed 27666198 (cited by Labcorp Genetics (formerly Invitae), Labcorp); PubMed 24773080 (cited by Labcorp Genetics (formerly Invitae), Labcorp and OMIM); PubMed 35178744 (cited by Molecular Genetics, Royal Melbourne Hospital).